The following is an entry in ClinVar:

NM_032043.3(BRIP1):c.332C>A (p.Pro111Gln)

Gene: BRIP1 (BRCA1 interacting DNA helicase 1; minus strand). Cytogenetic location: 17q23.2.
Variant type: single nucleotide variant.
Coding change: c.332C>A on transcript NM_032043.3 (MANE Select); coding-DNA position 332, C replaced by A.
Protein change: p.Pro111Gln; replaces proline 111 with glutamine.
Molecular consequence: missense variant.
Genome position (GRCh38, 1-based): chr17:61,857,105, G>T on the plus strand (C>A on the coding strand, the complement: BRIP1 is on the minus strand). VCF-style: chr17-61857105-G-T. GRCh37 (hg19) VCF-style: chr17-59934466-G-T.
Other names: p.P111Q:CCA>CAA; short protein forms P111Q.
Identifiers: ClinVar variation 182349 (VCV000182349.28), dbSNP rs201790351, ClinGen allele CA298881.

ClinVar aggregate classification (germline): Uncertain significance. Review status: criteria provided, multiple submitters, no conflicts (2 of 4 stars). 7 submissions from 7 submitters: Uncertain significance (7). Last evaluated 2025-11-26.

Conditions:
BRIP1-related disorder. Also called: BRIP1-related condition; BRIP1-related disorders. Identifiers: MedGen CN239206.
Familial cancer of breast. Also called: Hereditary breast cancer; BREAST CANCER, FAMILIAL; hereditary breast carcinoma. Identifiers: Orphanet 227535, MedGen C0346153, MONDO:0016419, OMIM 114480. Disease mechanism: loss of function.
Fanconi anemia complementation group J. Also called: BRIP1-Related Fanconi Anemia. Identifiers: Orphanet 84, MedGen C1836860, MONDO:0012187, OMIM 609054.
Hereditary cancer-predisposing syndrome. Also called: Neoplastic Syndromes, Hereditary; Tumor predisposition; Hereditary neoplastic syndrome; Hereditary Cancer Syndrome. Identifiers: Orphanet 140162, MedGen C0027672, MeSH D009386, MONDO:0015356.
Hereditary breast ovarian cancer syndrome. Also called: Hereditary breast and/or ovarian cancer syndrome; Hereditary breast and ovarian cancer syndrome; Hereditary breast and ovarian cancer; Hereditary breast and ovarian cancer syndrome (HBOC); Breast and ovarian cancer; BRCA1- and BRCA2-Associated Hereditary Breast and Ovarian Cancer. Identifiers: Orphanet 145, MedGen C0677776, MeSH D061325, MONDO:0003582. Disease mechanism: loss of function.

Allele frequency attached by ClinVar (database versions not stated): gnomAD exomes below 0.00001; gnomAD 0.00002; TOPMed 0.00005; 1000 Genomes Project 30x 0.00016; 1000 Genomes Project 0.00020.
gnomAD v4.1: 10 of 1,614,056 alleles (0.00062%); highest among the groups gnomAD compares: African/African-American, 0.004%; no homozygotes.

Submissions (7):

PreventionGenetics, part of Exact Sciences
Classification: Uncertain significance for BRIP1-related condition. Last evaluated: 2025-11-26. Review status: criteria provided, single submitter. Criteria: ACMG Guidelines, 2015. Collection method: clinical testing. Allele origin: germline.
Comment: The BRIP1 c.332C>A variant is predicted to result in the amino acid substitution p.Pro111Gln. To our knowledge, this variant has not been reported in the literature. This variant is reported in 0.011% of alleles in individuals of African descent in gnomAD and is interpreted as uncertain significance in ClinVar (Variation ID: 182349). At this time, the clinical significance of this variant is uncertain due to the absence of conclusive functional and genetic evidence.

Ambry Genetics
Classification: Uncertain significance for Hereditary cancer-predisposing syndrome. Last evaluated: 2025-01-30. Review status: criteria provided, single submitter. Criteria: Ambry Variant Classification Scheme 2023. Collection method: clinical testing. Allele origin: germline.
Comment: The p.P111Q variant (also known as c.332C>A), located in coding exon 3 of the BRIP1 gene, results from a C to A substitution at nucleotide position 332. The proline at codon 111 is replaced by glutamine, an amino acid with similar properties. This amino acid position is well conserved in available vertebrate species. In addition, this alteration is predicted to be tolerated by in silico analysis. Based on the available evidence, the clinical significance of this variant remains unclear.

Labcorp Genetics (formerly Invitae), Labcorp
Classification: Uncertain significance for Familial cancer of breast; Fanconi anemia complementation group J. Last evaluated: 2025-01-11. Review status: criteria provided, single submitter. Criteria: Invitae Variant Classification Sherloc (09022015). Collection method: clinical testing. Allele origin: germline.
Comment: This sequence change replaces proline, which is neutral and non-polar, with glutamine, which is neutral and polar, at codon 111 of the BRIP1 protein (p.Pro111Gln). This variant is not present in population databases (gnomAD no frequency). This variant has not been reported in the literature in individuals affected with BRIP1-related conditions. ClinVar contains an entry for this variant (Variation ID: 182349). Invitae Evidence Modeling of protein sequence and biophysical properties (such as structural, functional, and spatial information, amino acid conservation, physicochemical variation, residue mobility, and thermodynamic stability) indicates that this missense variant is not expected to disrupt BRIP1 protein function with a negative predictive value of 95%. In summary, the available evidence is currently insufficient to determine the role of this variant in disease. Therefore, it has been classified as a Variant of Uncertain Significance.

GeneDx
Classification: Uncertain significance. Last evaluated: 2024-11-12. Review status: criteria provided, single submitter. Criteria: GeneDx Variant Classification Process June 2021. Collection method: clinical testing. Allele origin: germline. Affected: yes.
Comment: Not observed at significant frequency in large population cohorts (gnomAD); In silico analysis indicates that this missense variant does not alter protein structure/function; Has not been previously published as pathogenic or benign to our knowledge

Color Diagnostics, LLC DBA Color Health
Classification: Uncertain significance for Hereditary cancer-predisposing syndrome. Last evaluated: 2024-03-06. Review status: criteria provided, single submitter. Criteria: ACMG Guidelines, 2015. Collection method: clinical testing. Allele origin: germline.
Comment: This missense variant replaces proline with glutamine at codon 111 of the BRIP1 protein. Computational prediction suggests that this variant may not impact protein structure and function (internally defined REVEL score threshold <= 0.5, PMID: 27666373). To our knowledge, functional studies have not been reported for this variant. This variant has not been reported in individuals affected with hereditary cancer in the literature. This variant has been identified in 1/31392 chromosomes in the general population by the Genome Aggregation Database (gnomAD). The available evidence is insufficient to determine the role of this variant in disease conclusively. Therefore, this variant is classified as a Variant of Uncertain Significance.

Baylor Genetics
Classification: Uncertain significance for Familial cancer of breast. Last evaluated: 2023-10-16. Review status: criteria provided, single submitter. Criteria: ACMG Guidelines, 2015. Collection method: clinical testing. Allele origin: unknown.

Department of Pathology and Laboratory Medicine, Sinai Health System
Classification: Uncertain significance for Hereditary breast ovarian cancer syndrome. Last evaluated: 2021-12-22. Review status: criteria provided, single submitter. Criteria: ACMG Guidelines, 2015. Collection method: clinical testing. Allele origin: germline. Affected: yes.